The following is an entry in ClinVar:

ClinVar aggregate classification (germline): Likely benign. Review status: criteria provided, multiple submitters, no conflicts (2 of 4 stars). 3 submissions from 3 submitters: Likely benign (2). 1 of the submissions does not count toward it. Last evaluated 2026-01-19.

Conditions:
TCF3-related disorder. Also called: TCF3-related condition.

Allele frequency attached by ClinVar (database versions not stated): ESP Exome Variant Server 0.00016; 1000 Genomes Project 0.00020; 1000 Genomes Project 30x 0.00031; TOPMed 0.00041; gnomAD 0.00042; ExAC 0.00086.
gnomAD v4.1: 551 of 1,588,250 alleles (0.035%); highest among the groups gnomAD compares: Middle Eastern, 0.23%; 2 homozygotes.

Submissions (3):

Labcorp Genetics (formerly Invitae), Labcorp
Classification: Likely benign. Last evaluated: 2026-01-19. Review status: criteria provided, single submitter. Criteria: Invitae Variant Classification Sherloc (09022015). Collection method: clinical testing. Allele origin: germline.

Blueprint Genetics
Classification: Likely benign. Last evaluated: 2024-10-24. Review status: criteria provided, single submitter. Criteria: ACMG Guidelines, 2015. Collection method: clinical testing. Allele origin: germline.

PreventionGenetics, part of Exact Sciences
Classification: Likely benign for TCF3-related condition. Last evaluated: 2024-04-18. Review status: no assertion criteria provided. Collection method: clinical testing. Allele origin: germline. Not counted in ClinVar's aggregate classification.
Comment: This variant is classified as likely benign based on ACMG/AMP sequence variant interpretation guidelines (Richards et al. 2015 PMID: 25741868, with internal and published modifications).

NM_003200.5(TCF3):c.737C>T (p.Pro246Leu)

Gene: TCF3 (transcription factor 3; minus strand). Cytogenetic location: 19p13.3.
Variant type: single nucleotide variant.
Coding change: c.737C>T on transcript NM_003200.5 (MANE Select); coding-DNA position 737, C replaced by T.
Protein change: p.Pro246Leu; replaces proline 246 with leucine.
Molecular consequence: missense variant.
Genome position (GRCh38, 1-based): chr19:1,622,139, G>A on the plus strand (C>T on the coding strand, the complement: TCF3 is on the minus strand). VCF-style: chr19-1622139-G-A. GRCh37 (hg19) VCF-style: chr19-1622138-G-A.
Other names: c.737C>T (NM_003200.3); c.737C>T, p.Pro246Leu (NM_001136139.4, NM_001351778.2, NM_001351779.2); short protein forms P246L.
Identifiers: ClinVar variation 1047252 (VCV001047252.11), dbSNP rs370087169, ClinGen allele CA9050246.